The following is an entry in ClinVar:

ClinVar aggregate classification (germline): Uncertain significance. Review status: criteria provided, multiple submitters, no conflicts (2 of 4 stars). 2 submissions from 2 submitters: Uncertain significance (2). Last evaluated 2026-01-04.

Conditions:
Fanconi anemia (FA). Also called: Fanconi's anemia. Identifiers: Orphanet 84, MedGen C0015625, MeSH D005199, MONDO:0019391.
Fanconi anemia complementation group I (FANCI). Also called: FANCI-Related Fanconi Anemia. Identifiers: Orphanet 84, MedGen C1836861, MONDO:0012186, OMIM 609053.

Allele frequency attached by ClinVar (database versions not stated): gnomAD exomes below 0.00001 and 0.00004; TOPMed below 0.00001; gnomAD 0.00001; ExAC 0.00004; 1000 Genomes Project 30x 0.00016; 1000 Genomes Project 0.00020.
gnomAD v4.1: 7 of 1,612,784 alleles (0.00043%); highest among the groups gnomAD compares: East Asian, 0.011%; no homozygotes.

Submissions (2):

Labcorp Genetics (formerly Invitae), Labcorp
Classification: Uncertain significance for Fanconi anemia. Last evaluated: 2026-01-04. Review status: criteria provided, single submitter. Criteria: Invitae Variant Classification Sherloc (09022015). Collection method: clinical testing. Allele origin: germline.
Comment: This sequence change replaces asparagine, which is neutral and polar, with serine, which is neutral and polar, at codon 352 of the FANCI protein (p.Asn352Ser). This variant is present in population databases (rs565007212, gnomAD 0.04%). This variant has not been reported in the literature in individuals affected with FANCI-related conditions. ClinVar contains an entry for this variant (Variation ID: 1474290). Invitae Evidence Modeling of protein sequence and biophysical properties (such as structural, functional, and spatial information, amino acid conservation, physicochemical variation, residue mobility, and thermodynamic stability) indicates that this missense variant is not expected to disrupt FANCI protein function with a negative predictive value of 80%. In summary, the available evidence is currently insufficient to determine the role of this variant in disease. Therefore, it has been classified as a Variant of Uncertain Significance.

Fulgent Genetics
Classification: Uncertain significance for Fanconi anemia complementation group I. Last evaluated: 2024-06-08. Review status: criteria provided, single submitter. Criteria: ACMG Guidelines, 2015. Collection method: clinical testing. Allele origin: germline.

NM_001113378.2(FANCI):c.1055A>G (p.Asn352Ser)

Gene: FANCI (FA complementation group I; plus strand). Cytogenetic location: 15q26.1.
Variant type: single nucleotide variant.
Coding change: c.1055A>G on transcript NM_001113378.2 (MANE Select); coding-DNA position 1055, A replaced by G.
Protein change: p.Asn352Ser; replaces asparagine 352 with serine.
Molecular consequence: missense variant.
Genome position (GRCh38, 1-based): chr15:89,274,247, A>G. VCF-style: chr15-89274247-A-G. GRCh37 (hg19) VCF-style: chr15-89817478-A-G.
Other names: c.776A>G, p.Asn259Ser (NM_001376910.1); c.1055A>G, p.Asn352Ser (NM_001376911.1, NM_018193.3); short protein forms N259S, N352S.
Identifiers: ClinVar variation 1474290 (VCV001474290.9), dbSNP rs565007212, ClinGen allele CA7722909.